The following is an entry in ClinVar:

NM_031935.3(HMCN1):c.865G>A (p.Val289Met)

Gene: HMCN1 (hemicentin 1; plus strand). Cytogenetic location: 1q31.1.
Variant type: single nucleotide variant.
Coding change: c.865G>A on transcript NM_031935.3 (MANE Select); coding-DNA position 865, G replaced by A.
Protein change: p.Val289Met; replaces valine 289 with methionine.
Molecular consequence: missense variant.
Genome position (GRCh38, 1-based): chr1:185,911,745, G>A. VCF-style: chr1-185911745-G-A. GRCh37 (hg19) VCF-style: chr1-185880877-G-A.
Other names: short protein forms V289M.
Identifiers: ClinVar variation 874470 (VCV000874470.13), dbSNP rs144384070, ClinGen allele CA1290970.

ClinVar aggregate classification (germline): Benign/Likely benign. Review status: criteria provided, multiple submitters, no conflicts (2 of 4 stars). 4 submissions from 4 submitters: Benign (1); Likely benign (3). Last evaluated 2025-11-17.

Conditions:
HMCN1-related disorder. Also called: HMCN1-related condition.
Age related macular degeneration 1 (ARMD1). Also called: MACULOPATHY, AGE-RELATED, 1. Identifiers: MedGen C1864205, MONDO:0011285, OMIM 603075.

Allele frequency attached by ClinVar (database versions not stated): TOPMed 0.00121; ESP Exome Variant Server 0.00169; 1000 Genomes Project 0.00180; 1000 Genomes Project 30x 0.00187; gnomAD exomes 0.00012 and 0.00036; ExAC 0.00037; gnomAD 0.00105 and 0.00108.
gnomAD v4.1: 340 of 1,613,352 alleles (0.021%); highest among the groups gnomAD compares: African/African-American, 0.38%; 3 homozygotes.

Submissions (4):

Labcorp Genetics (formerly Invitae), Labcorp
Classification: Likely benign. Last evaluated: 2025-11-17. Review status: criteria provided, single submitter. Criteria: Invitae Variant Classification Sherloc (09022015). Collection method: clinical testing. Allele origin: germline.

PreventionGenetics, part of Exact Sciences
Classification: Benign for HMCN1-related condition. Last evaluated: 2025-06-07. Review status: criteria provided, single submitter. Criteria: ACMG Guidelines, 2015. Collection method: clinical testing. Allele origin: germline.
Comment: This variant is classified as benign based on ACMG/AMP sequence variant interpretation guidelines (Richards et al. 2015 PMID: 25741868, with internal and published modifications).

Genome-Nilou Lab
Classification: Likely benign for Age related macular degeneration 1. Last evaluated: 2023-04-11. Review status: criteria provided, single submitter. Criteria: ACMG Guidelines, 2015. Collection method: clinical testing. Allele origin: germline. Affected: no.

Illumina Laboratory Services, Illumina
Classification: Likely benign for Age related macular degeneration 1. Last evaluated: 2018-01-13. Review status: criteria provided, single submitter. Criteria: ICSL Variant Classification Criteria 13 December 2019. Collection method: clinical testing. Allele origin: germline.
Comment: This variant was observed in the ICSL laboratory as part of a predisposition screen in an ostensibly healthy population. It had not been previously curated by ICSL or reported in the Human Gene Mutation Database (HGMD: prior to June 1st, 2018), and was therefore a candidate for classification through an automated scoring system. Utilizing variant allele frequency, disease prevalence and penetrance estimates, and inheritance mode, an automated score was calculated to assess if this variant is too frequent to cause the disease. Based on the score and internal cut-off values, a variant classified as likely benign is not then subjected to further curation. The score for this variant resulted in a classification of likely benign for this disease.